The following is an entry in ClinVar:

NM_000302.4(PLOD1):c.1839_1902+64del

Gene: PLOD1 (procollagen-lysine,2-oxoglutarate 5-dioxygenase 1; plus strand). Cytogenetic location: 1p36.22.
Variant type: Deletion.
Coding change: c.1839_1902+64del on transcript NM_000302.4 (MANE Select); coding-DNA position 1839 through 64 bases into the intron after coding-DNA position 1902, 128 bases deleted.
Molecular consequence: splice donor variant.
Genome position (GRCh38, 1-based): chr1:11,970,753-11,970,880, 128 bases deleted. GRCh37 (hg19): chr1:12,030,810-12,030,937.
Other names: c.1980_2043+64del (NM_001316320.2).
Identifiers: ClinVar variation 1467572 (VCV001467572.6), dbSNP rs2100764790, ClinGen allele CA2573130666.

ClinVar aggregate classification (germline): Likely pathogenic (1 of 4 stars; one submission).

Conditions:
Ehlers-Danlos syndrome, kyphoscoliotic type 1 (EDSKSCL1). Also called: EHLERS-DANLOS SYNDROME, OCULAR-SCOLIOTIC TYPE; Ehlers-Danlos syndrome, hydroxylysine-deficient; EHLERS-DANLOS SYNDROME, TYPE VIA; PLOD1-Related Kyphoscoliotic Ehlers-Danlos Syndrome. Identifiers: Orphanet 1900, MedGen C0268342, MONDO:0016002, OMIM 225400. Disease mechanism: loss of function.

Submission:

Labcorp Genetics (formerly Invitae), Labcorp
Classification: Likely pathogenic for Ehlers-Danlos syndrome, kyphoscoliotic type 1. Last evaluated: 2025-04-23. Review status: criteria provided, single submitter. Criteria: Invitae Variant Classification Sherloc (09022015). Collection method: clinical testing. Allele origin: germline.
Comment: This variant results in the deletion of part of exon 17 (c.1839_1902+64del) of the PLOD1 gene. It is expected to disrupt RNA splicing. Variants that disrupt the donor or acceptor splice site typically lead to a loss of protein function (PMID: 16199547), and loss-of-function variants in PLOD1 are known to be pathogenic (PMID: 10874315, 21699693). This variant is not present in population databases (gnomAD no frequency). This variant has not been reported in the literature in individuals affected with PLOD1-related conditions. ClinVar contains an entry for this variant (Variation ID: 1467572). In summary, the currently available evidence indicates that the variant is pathogenic, but additional data are needed to prove that conclusively. Therefore, this variant has been classified as Likely Pathogenic.

Literature cited by the submitters: PubMed 16199547; PubMed 10874315; PubMed 21699693.